The following is an entry in ClinVar:

NM_012193.4(FZD4):c.14del (p.Gly5fs)

Gene: FZD4 (frizzled class receptor 4; minus strand). Cytogenetic location: 11q14.2.
Variant type: Deletion.
Coding change: c.14del on transcript NM_012193.4 (MANE Select); coding-DNA position 14, one base deleted (G; older notation c.14delG).
Protein change: p.Gly5fs; shifts the reading frame from glycine 5.
Molecular consequence: frameshift variant.
Genome position (GRCh38, 1-based): chr11:86,955,072, C deleted on the plus strand (G on the coding strand, the reverse complement: FZD4 is on the minus strand); the first of 4 consecutive C bases (chr11:86,955,072-86,955,075); deleting any one gives the same sequence. VCF-style (leftmost placement, unchanged base first): chr11-86955071-GC-G. GRCh37 (hg19) VCF-style: chr11-86666113-GC-G.
Other names: short protein forms G5fs.
Identifiers: ClinVar variation 4713203 (VCV004713203.1).

ClinVar aggregate classification (germline): Pathogenic (1 of 4 stars; one submission).

Submission:

Labcorp Genetics (formerly Invitae), Labcorp
Classification: Pathogenic. Last evaluated: 2025-02-16. Review status: criteria provided, single submitter. Criteria: Invitae Variant Classification Sherloc (09022015). Collection method: clinical testing. Allele origin: germline.
Comment: This sequence change creates a premature translational stop signal (p.Gly5Alafs*56) in the FZD4 gene. It is expected to result in an absent or disrupted protein product. Loss-of-function variants in FZD4 are known to be pathogenic (PMID: 2766845, 15035989, 25711638, 26244290). This variant is not present in population databases (gnomAD no frequency). This variant has not been reported in the literature in individuals affected with FZD4-related conditions. For these reasons, this variant has been classified as Pathogenic.

Literature cited by the submitters: PubMed 2766845; PubMed 15035989; PubMed 25711638; PubMed 26244290.